The following is an entry in ClinVar:

NM_003074.4(SMARCC1):c.2367G>A (p.Gln789=)

Gene: SMARCC1 (SWI/SNF related BAF chromatin remodeling complex subunit C1; minus strand). Cytogenetic location: 3p21.31.
Variant type: single nucleotide variant.
Coding change: c.2367G>A on transcript NM_003074.4 (MANE Select); coding-DNA position 2367, G replaced by A.
Protein change: p.Gln789=; no amino-acid change (glutamine 789 retained).
Molecular consequence: synonymous variant.
Genome position (GRCh38, 1-based): chr3:47,638,734, C>T on the plus strand (G>A on the coding strand, the complement: SMARCC1 is on the minus strand). VCF-style: chr3-47638734-C-T. GRCh37 (hg19) VCF-style: chr3-47680224-C-T.
Identifiers: ClinVar variation 3032608 (VCV003032608.2), dbSNP rs971969263, ClinGen allele CA73878224.
Genomic context (GRCh38, chr3:47,638,734, plus strand): 5'-TTATGGTCTGAAAGGCATGCTATCTGTGGTTTTACTGCTGTGAGACTTTACCTTTTCAGG[C>T]TGCTGACCATCAGGGTCGGCTTCCATTTTTTCCTCTTCAGCTCCTTCTACAAGTAAAAGA-3'
Protein context (NP_003065.3, residues 779-799): EKMEADPDGQ[Gln789=]PEKAENKVEN

ClinVar aggregate classification (germline): Likely benign (0 of 4 stars; one submission).

Conditions:
SMARCC1-related disorder. Also called: SMARCC1-related condition.

Allele frequency attached by ClinVar (database versions not stated): TOPMed below 0.00001; gnomAD exomes 0.00002.
gnomAD v4.1: 31 of 1,613,196 alleles (0.0019%); highest among the groups gnomAD compares: Non-Finnish European, 0.0026%; no homozygotes.

Submission:

PreventionGenetics, part of Exact Sciences
Classification: Likely benign for SMARCC1-related condition. Last evaluated: 2021-03-19. Review status: no assertion criteria provided. Collection method: clinical testing. Allele origin: germline.
Comment: This variant is classified as likely benign based on ACMG/AMP sequence variant interpretation guidelines (Richards et al. 2015 PMID: 25741868, with internal and published modifications).